The following is an entry in ClinVar:

ClinVar aggregate classification (germline): Uncertain significance. Review status: criteria provided, multiple submitters, no conflicts (2 of 4 stars). 2 submissions from 2 submitters: Uncertain significance (2). Last evaluated 2025-07-28.

gnomAD v4.1: 1 of 1,614,226 alleles (0.000062%); highest among the groups gnomAD compares: Non-Finnish European, 0.000085%; no homozygotes.

Submissions (2):

GeneDx
Classification: Uncertain significance. Last evaluated: 2025-07-28. Review status: criteria provided, single submitter. Criteria: GeneDx Variant Classification Process June 2021. Collection method: clinical testing. Allele origin: germline. Affected: yes.
Comment: Not observed at significant frequency in large population cohorts (gnomAD); In silico analysis suggests that this missense variant does not alter protein structure/function; Has not been previously published as pathogenic or benign to our knowledge

Labcorp Genetics (formerly Invitae), Labcorp
Classification: Uncertain significance. Last evaluated: 2025-04-13. Review status: criteria provided, single submitter. Criteria: Invitae Variant Classification Sherloc (09022015). Collection method: clinical testing. Allele origin: germline.
Comment: This sequence change replaces alanine, which is neutral and non-polar, with serine, which is neutral and polar, at codon 616 of the RERE protein (p.Ala616Ser). This variant is not present in population databases (gnomAD no frequency). This variant has not been reported in the literature in individuals affected with RERE-related conditions. ClinVar contains an entry for this variant (Variation ID: 2414667). Invitae Evidence Modeling of protein sequence and biophysical properties (such as structural, functional, and spatial information, amino acid conservation, physicochemical variation, residue mobility, and thermodynamic stability) indicates that this missense variant is not expected to disrupt RERE protein function with a negative predictive value of 95%. In summary, the available evidence is currently insufficient to determine the role of this variant in disease. Therefore, it has been classified as a Variant of Uncertain Significance.

NM_001042681.2(RERE):c.1846G>T (p.Ala616Ser)

Gene: RERE (arginine-glutamic acid dipeptide repeats; minus strand). Cytogenetic location: 1p36.23.
Variant type: single nucleotide variant.
Coding change: c.1846G>T on transcript NM_001042681.2 (MANE Select); coding-DNA position 1846, G replaced by T.
Protein change: p.Ala616Ser; replaces alanine 616 with serine.
Molecular consequence: missense variant.
Genome position (GRCh38, 1-based): chr1:8,362,739, C>A on the plus strand (G>T on the coding strand, the complement: RERE is on the minus strand). VCF-style: chr1-8362739-C-A. GRCh37 (hg19) VCF-style: chr1-8422799-C-A.
Other names: c.1846G>T (NM_012102.3); c.184G>T, p.Ala62Ser (NM_001042682.2); c.1846G>T, p.Ala616Ser (NM_012102.4); short protein forms A616S, A62S.
Identifiers: ClinVar variation 2414667 (VCV002414667.7), dbSNP rs759860051, ClinGen allele CA338173881.